The following is an entry in ClinVar:

ClinVar aggregate classification (germline): Benign/Likely benign. Review status: criteria provided, multiple submitters, no conflicts (2 of 4 stars). 4 submissions from 4 submitters: Benign (1); Likely benign (2). 1 of the submissions does not count toward it. Last evaluated 2025-01-06.

Conditions:
Inborn genetic diseases. Identifiers: MedGen C0950123, MeSH D030342.
EP300-related disorder. Also called: EP300-related disorders; EP300-related condition.
Rubinstein-Taybi syndrome due to EP300 haploinsufficiency. Also called: EP300-Related Rubinstein-Taybi Syndrome; RUBINSTEIN-TAYBI SYNDROME 2. Identifiers: Orphanet 353284, Orphanet 783, MedGen C3150941, MONDO:0013364, OMIM 613684.

Allele frequency attached by ClinVar (database versions not stated): gnomAD 0.00007; ExAC 0.00009; gnomAD exomes 0.00011; TOPMed 0.00014; ESP Exome Variant Server 0.00015.
gnomAD v4.1: 172 of 1,614,066 alleles (0.011%); highest among the groups gnomAD compares: Non-Finnish European, 0.014%; no homozygotes.

Submissions (4):

Labcorp Genetics (formerly Invitae), Labcorp
Classification: Benign for Rubinstein-Taybi syndrome due to EP300 haploinsufficiency. Last evaluated: 2025-01-06. Review status: criteria provided, single submitter. Criteria: Invitae Variant Classification Sherloc (09022015). Collection method: clinical testing. Allele origin: germline.

CeGaT Center for Human Genetics Tuebingen
Classification: Likely benign. Last evaluated: 2025-01-01. Review status: criteria provided, single submitter. Criteria: CeGaT Center For Human Genetics Tuebingen Variant Classification Criteria Version 2. Collection method: clinical testing. Allele origin: germline. Affected: yes. Observed: 1 variant allele.
Comment: EP300: BP4, BS2

Ambry Genetics
Classification: Likely benign for Inborn genetic diseases. Last evaluated: 2021-11-16. Review status: criteria provided, single submitter. Criteria: Ambry Variant Classification Scheme 2023. Collection method: clinical testing. Allele origin: germline.

PreventionGenetics, part of Exact Sciences
Classification: Uncertain significance for EP300-related condition. Last evaluated: 2024-01-22. Review status: no assertion criteria provided. Collection method: clinical testing. Allele origin: germline. Not counted in ClinVar's aggregate classification.
Comment: The EP300 c.2077A>G variant is predicted to result in the amino acid substitution p.Met693Val. To our knowledge, this variant has not been reported in the literature. This variant is reported in 0.024% of alleles in individuals of African descent in gnomAD. Although we suspect this variant could be benign, at this time, the clinical significance of this variant is uncertain due to the absence of conclusive functional and genetic evidence.

NM_001429.4(EP300):c.2077A>G (p.Met693Val)

Gene: EP300 (EP300 lysine acetyltransferase; plus strand). Cytogenetic location: 22q13.2.
Variant type: single nucleotide variant.
Coding change: c.2077A>G on transcript NM_001429.4 (MANE Select); coding-DNA position 2077, A replaced by G.
Protein change: p.Met693Val; replaces methionine 693 with valine.
Molecular consequence: missense variant. On other transcripts: intron variant (1).
Genome position (GRCh38, 1-based): chr22:41,146,762, A>G. VCF-style: chr22-41146762-A-G. GRCh37 (hg19) VCF-style: chr22-41542766-A-G.
Other names: c.2054-1075A>G (NM_001362843.2); c.2077A>G (NM_001429.3); short protein forms M693V.
Identifiers: ClinVar variation 2040538 (VCV002040538.20), dbSNP rs151147205, ClinGen allele CA10252724.
Genomic context (GRCh38, chr22:41,146,762, plus strand): 5'-ATGGTGCAAAGATACTTATTTCTCTTTTTTACTCTAGATGGCCCTCTACCTGACCCAAGT[A>G]TGATCCGTGGCAGTGTGCCAAACCAGATGATGCCTCGAATAACTCCACAATCTGGTAAAT-3'
Protein context (NP_001420.2, residues 683-703): TSNGPLPDPS[Met693Val]IRGSVPNQMM